The following is an entry in ClinVar:

NM_007198.4(PLPBP):c.815C>T (p.Ala272Val)

Gene: PLPBP (pyridoxal phosphate binding protein; plus strand). Cytogenetic location: 8p11.23.
Variant type: single nucleotide variant.
Coding change: c.815C>T on transcript NM_007198.4 (MANE Select); coding-DNA position 815, C replaced by T.
Protein change: p.Ala272Val; replaces alanine 272 with valine.
Molecular consequence: missense variant.
Genome position (GRCh38, 1-based): chr8:37,778,091, C>T. VCF-style: chr8-37778091-C-T. GRCh37 (hg19) VCF-style: chr8-37635609-C-T.
Other names: c.845C>T, p.Ala282Val (NM_001349346.2); c.809C>T, p.Ala270Val (NM_001349347.2); c.659C>T, p.Ala220Val (NM_001349348.2); short protein forms A282V, A220V, A270V, A272V.
Identifiers: ClinVar variation 1941763 (VCV001941763.5), dbSNP rs2487399514, ClinGen allele CA370669096.

ClinVar aggregate classification (germline): Uncertain significance (1 of 4 stars; one submission).

Submission:

Labcorp Genetics (formerly Invitae), Labcorp
Classification: Uncertain significance. Last evaluated: 2025-02-17. Review status: criteria provided, single submitter. Criteria: Invitae Variant Classification Sherloc (09022015). Collection method: clinical testing. Allele origin: germline.
Comment: This sequence change replaces alanine, which is neutral and non-polar, with valine, which is neutral and non-polar, at codon 272 of the PROSC protein (p.Ala272Val). This variant is not present in population databases (gnomAD no frequency). This variant has not been reported in the literature in individuals affected with PROSC-related conditions. ClinVar contains an entry for this variant (Variation ID: 1941763). An algorithm developed to predict the effect of missense changes on protein structure and function outputs the following: PolyPhen-2: "Benign". The valine amino acid residue is found in multiple mammalian species, which suggests that this missense change does not adversely affect protein function. In summary, the available evidence is currently insufficient to determine the role of this variant in disease. Therefore, it has been classified as a Variant of Uncertain Significance.